The following is an entry in ClinVar:

NM_004984.4(KIF5A):c.3036T>G (p.Cys1012Trp)

Gene: KIF5A (kinesin family member 5A; plus strand). Cytogenetic location: 12q13.3.
Variant type: single nucleotide variant.
Coding change: c.3036T>G on transcript NM_004984.4 (MANE Select); coding-DNA position 3036, T replaced by G.
Protein change: p.Cys1012Trp; replaces cysteine 1012 with tryptophan.
Molecular consequence: missense variant.
Genome position (GRCh38, 1-based): chr12:57,583,116, T>G. VCF-style: chr12-57583116-T-G. GRCh37 (hg19) VCF-style: chr12-57976899-T-G.
Other names: c.2769T>G, p.Cys923Trp (NM_001354705.2); short protein forms C1012W, C923W.
Identifiers: ClinVar variation 1717365 (VCV001717365.5), dbSNP rs2540517893, ClinGen allele CA385517345.

ClinVar aggregate classification (germline): Uncertain significance (1 of 4 stars; one submission).

Conditions:
Spastic paraplegia. Identifiers: MedGen C0037772, HP:0001258.

Submission:

Labcorp Genetics (formerly Invitae), Labcorp
Classification: Uncertain significance for Spastic paraplegia. Last evaluated: 2022-08-21. Review status: criteria provided, single submitter. Criteria: Invitae Variant Classification Sherloc (09022015). Collection method: clinical testing. Allele origin: germline.
Comment: In summary, the available evidence is currently insufficient to determine the role of this variant in disease. Therefore, it has been classified as a Variant of Uncertain Significance. Algorithms developed to predict the effect of missense changes on protein structure and function are either unavailable or do not agree on the potential impact of this missense change (SIFT: "Deleterious"; PolyPhen-2: "Possibly Damaging"; Align-GVGD: "Class C0"). This variant has not been reported in the literature in individuals affected with KIF5A-related conditions. This variant is not present in population databases (gnomAD no frequency). This sequence change replaces cysteine, which is neutral and slightly polar, with tryptophan, which is neutral and slightly polar, at codon 1012 of the KIF5A protein (p.Cys1012Trp).